The following is an entry in ClinVar:

ClinVar aggregate classification (germline): Uncertain significance (1 of 4 stars; one submission).

Submission:

Ambry Genetics
Classification: Uncertain significance. Last evaluated: 2026-05-14. Review status: criteria provided, single submitter. Criteria: Ambry Variant Classification Scheme 2023. Collection method: clinical testing. Allele origin: germline.
Comment: The p.E324K variant (also known as c.970G>A), located in coding exon 8 of the GEN1 gene, results from a G to A substitution at nucleotide position 970. The glutamic acid at codon 324 is replaced by lysine, an amino acid with similar properties. This amino acid position is conserved. In addition, this alteration is predicted to be tolerated by in silico analysis. Based on the available evidence, the clinical significance of this variant remains unclear.

NM_001130009.3(GEN1):c.970G>A (p.Glu324Lys)

Gene: GEN1 (GEN1 structure-specific endonuclease; plus strand). Cytogenetic location: 2p24.2.
Variant type: single nucleotide variant.
Coding change: c.970G>A on transcript NM_001130009.3 (MANE Select); coding-DNA position 970, G replaced by A.
Protein change: p.Glu324Lys; replaces glutamic acid 324 with lysine.
Molecular consequence: missense variant.
Genome position (GRCh38, 1-based): chr2:17,773,112, G>A. VCF-style: chr2-17773112-G-A. GRCh37 (hg19) VCF-style: chr2-17954379-G-A.
Other names: c.970G>A, p.Glu324Lys (NM_182625.5); short protein forms E324K.
Identifiers: ClinVar variation 4857978 (VCV004857978.1).